The following is an entry in ClinVar:

ClinVar aggregate classification (germline): Pathogenic (1 of 4 stars; one submission).

Conditions:
Hereditary cancer-predisposing syndrome. Also called: Neoplastic Syndromes, Hereditary; Tumor predisposition; Hereditary Cancer Syndrome; Hereditary neoplastic syndrome. Identifiers: Orphanet 140162, MedGen C0027672, MeSH D009386, MONDO:0015356.

Submission:

Ambry Genetics
Classification: Pathogenic for Hereditary cancer-predisposing syndrome. Last evaluated: 2018-06-28. Review status: criteria provided, single submitter. Criteria: Ambry Variant Classification Scheme 2023. Collection method: clinical testing. Allele origin: germline.
Comment: The c.2303_2304insT pathogenic mutation, located in coding exon 15 of the APC gene, results from an insertion of one nucleotide at position 2303, causing a translational frameshift with a predicted alternate stop codon (p.S770Ifs*5). This alteration is expected to result in loss of function by premature protein truncation or nonsense-mediated mRNA decay. As such, this alteration is interpreted as a disease-causing mutation.

NM_000038.6(APC):c.2303_2304insT (p.Ser770fs)

Gene: APC (APC regulator of Wnt signaling pathway; plus strand). Cytogenetic location: 5q22.2.
Variant type: Insertion.
Coding change: c.2303_2304insT on transcript NM_000038.6 (MANE Select); coding-DNA positions 2303 to 2304, T inserted.
Protein change: p.Ser770fs; shifts the reading frame from serine 770.
Molecular consequence: frameshift variant.
Genome position: GRCh38 VCF-style: chr5-112837897-A-AT. GRCh37 (hg19) VCF-style: chr5-112173594-A-AT.
Other names: c.2303_2304insT, p.Ser770fs (NM_001127510.3, NM_001354895.2); c.2249_2250insT, p.Ser752fs (NM_001127511.3); c.2357_2358insT, p.Ser788fs (NM_001354896.2); c.2333_2334insT, p.Ser780fs (NM_001354897.2); c.2228_2229insT, p.Ser745fs (NM_001354898.2); c.2219_2220insT, p.Ser742fs (NM_001354899.2); c.2180_2181insT, p.Ser729fs (NM_001354900.2); c.2126_2127insT, p.Ser711fs (NM_001354901.2); and 5 more; short protein forms S487fs, S669fs, S742fs, S770fs, S788fs, S711fs, S729fs, S745fs.
Identifiers: ClinVar variation 821001 (VCV000821001.4), dbSNP rs1580620326, ClinGen allele CA915942615.